The following is an entry in ClinVar:

NM_000257.4(MYH7):c.1499A>G (p.Glu500Gly)

Gene: MYH7 (myosin heavy chain 7; minus strand). Cytogenetic location: 14q11.2.
Variant type: single nucleotide variant.
Coding change: c.1499A>G on transcript NM_000257.4 (MANE Select); coding-DNA position 1499, A replaced by G.
Protein change: p.Glu500Gly; replaces glutamic acid 500 with glycine.
Molecular consequence: missense variant.
Genome position (GRCh38, 1-based): chr14:23,428,579, T>C on the plus strand (A>G on the coding strand, the complement: MYH7 is on the minus strand). VCF-style: chr14-23428579-T-C. GRCh37 (hg19) VCF-style: chr14-23897788-T-C.
Other names: c.1499A>G, p.Glu500Gly (NM_001407004.1); short protein forms E500G.
Identifiers: ClinVar variation 2727123 (VCV002727123.3), dbSNP rs727504286, ClinGen allele CA389050461.
Genomic context (GRCh38, chr14:23,428,579, plus strand): 5'-CAGGCCTGCAGGTCCATGCCAAAGTCAATGAATGTCCACTCGATGCCCTCCTTCTTGTAC[T>C]CCTCCTGCTCCAGCACAAACATGTGGTGGTTGAAGAACTGCTGCAGCTTCTCGTTGGTGA-3'
Protein context (NP_000248.2, residues 490-510): NHHMFVLEQE[Glu500Gly]YKKEGIEWTF

ClinVar aggregate classification (germline): Uncertain significance (1 of 4 stars; one submission).

Conditions:
Hypertrophic cardiomyopathy. Also called: HYPERTROPHIC MYOCARDIOPATHY. Identifiers: Orphanet 217569, MedGen C0007194, MeSH D002312, MONDO:0005045, HP:0001639.

Submission:

Labcorp Genetics (formerly Invitae), Labcorp
Classification: Uncertain significance for Hypertrophic cardiomyopathy. Last evaluated: 2023-06-24. Review status: criteria provided, single submitter. Criteria: Invitae Variant Classification Sherloc (09022015). Collection method: clinical testing. Allele origin: germline.
Comment: This variant disrupts the p.Glu500 amino acid residue in MYH7. Other variant(s) that disrupt this residue have been determined to be pathogenic (PMID: 12820698, 27532257; Invitae). This suggests that this residue is clinically significant, and that variants that disrupt this residue are likely to be disease-causing. In summary, the available evidence is currently insufficient to determine the role of this variant in disease. Therefore, it has been classified as a Variant of Uncertain Significance. Advanced modeling of protein sequence and biophysical properties (such as structural, functional, and spatial information, amino acid conservation, physicochemical variation, residue mobility, and thermodynamic stability) performed at Invitae indicates that this missense variant is expected to disrupt MYH7 protein function. This variant has not been reported in the literature in individuals affected with MYH7-related conditions. This variant is not present in population databases (gnomAD no frequency). This sequence change replaces glutamic acid, which is acidic and polar, with glycine, which is neutral and non-polar, at codon 500 of the MYH7 protein (p.Glu500Gly).

Literature cited by the submitters: PubMed 12820698; PubMed 27532257.